The following is an entry in ClinVar:

NM_020320.5(RARS2):c.1544A>G (p.Asp515Gly)

Gene: RARS2 (arginyl-tRNA synthetase 2, mitochondrial; minus strand). Cytogenetic location: 6q15.
Variant type: single nucleotide variant.
Coding change: c.1544A>G on transcript NM_020320.5 (MANE Select); coding-DNA position 1544, A replaced by G.
Protein change: p.Asp515Gly; replaces aspartic acid 515 with glycine.
Molecular consequence: missense variant. On other transcripts: non-coding transcript variant (23).
Genome position (GRCh38, 1-based): chr6:87,516,848, T>C on the plus strand (A>G on the coding strand, the complement: RARS2 is on the minus strand). VCF-style: chr6-87516848-T-C. GRCh37 (hg19) VCF-style: chr6-88226566-T-C.
Other names: c.1544A>G (NM_020320.3, NM_020320.4); c.1019A>G, p.Asp340Gly (NM_001318785.2, NM_001350506.2, NM_001350507.2 and 4 more transcripts); c.1544A>G, p.Asp515Gly (NM_001350505.2); short protein forms D515G, D340G.
Identifiers: ClinVar variation 488585 (VCV000488585.56), dbSNP rs765088174, ClinGen allele CA3916228.

ClinVar aggregate classification (germline): Pathogenic/Likely pathogenic. Review status: criteria provided, multiple submitters, no conflicts (2 of 4 stars). 10 submissions from 10 submitters: Pathogenic (3); Likely pathogenic (7). Last evaluated 2026-01-22.

Conditions:
Pontocerebellar hypoplasia type 6 (PCH6). Identifiers: Orphanet 166073, MedGen C1969084, MONDO:0012683, OMIM 611523.
RARS2-related disorder. Also called: RARS2-related condition.
Pontoneocerebellar hypoplasia. Also called: Non-syndromic pontocerebellar hypoplasia; Pontocerebellar hypoplasia. Identifiers: Orphanet 98523, MedGen C1261175, MONDO:0020135.

Allele frequency attached by ClinVar (database versions not stated): ExAC 0.00002; gnomAD exomes 0.00002 and 0.00003; TOPMed 0.00004; gnomAD 0.00005.
gnomAD v4.1: 34 of 1,613,726 alleles (0.0021%); highest among the groups gnomAD compares: Non-Finnish European, 0.0028%; no homozygotes.

Submissions (10):

GeneDx
Classification: Likely pathogenic. Last evaluated: 2026-01-22. Review status: criteria provided, single submitter. Criteria: GeneDx Variant Classification Process June 2021. Collection method: clinical testing. Allele origin: germline. Affected: yes.
Comment: Not observed at significant frequency in large population cohorts (gnomAD); In silico analysis suggests that this missense variant does not alter protein structure/function; This variant is associated with the following publications: (PMID: 27683254, 35707589, 34717047, 34490615, 35468344)

Labcorp Genetics (formerly Invitae), Labcorp
Classification: Pathogenic. Last evaluated: 2025-12-16. Review status: criteria provided, single submitter. Criteria: Invitae Variant Classification Sherloc (09022015). Collection method: clinical testing. Allele origin: germline.
Comment: This sequence change replaces aspartic acid, which is acidic and polar, with glycine, which is neutral and non-polar, at codon 515 of the RARS2 protein (p.Asp515Gly). This variant is present in population databases (rs765088174, gnomAD 0.007%). This missense change has been observed in individual(s) with RARS2-related conditions (PMID: 27683254, 34490615). In at least one individual the data is consistent with being in trans (on the opposite chromosome) from a pathogenic variant. ClinVar contains an entry for this variant (Variation ID: 488585). Invitae Evidence Modeling of protein sequence and biophysical properties (such as structural, functional, and spatial information, amino acid conservation, physicochemical variation, residue mobility, and thermodynamic stability) indicates that this missense variant is expected to disrupt RARS2 protein function with a positive predictive value of 95%. Algorithms developed to predict the effect of sequence changes on RNA splicing suggest that this variant may disrupt the consensus splice site. For these reasons, this variant has been classified as Pathogenic.

Women's Health and Genetics/Laboratory Corporation of America, LabCorp
Classification: Likely pathogenic for Pontoneocerebellar hypoplasia. Last evaluated: 2025-10-15. Review status: criteria provided, single submitter. Criteria: LabCorp Variant Classification Summary - May 2015. Collection method: clinical testing. Allele origin: germline.
Comment: Variant summary: RARS2 c.1544A>G (p.Asp515Gly) results in a non-conservative amino acid change in the encoded protein sequence. Algorithms developed to predict the effect of missense changes on protein structure and function are either unavailable or do not agree on the potential impact of this missense change. The variant allele was found at a frequency of 2.8e-05 in 251352 control chromosomes. c.1544A>G has been observed in compound heterozygous individuals affected with Pontocerebellar Hypoplasia, Type 6 (example: van Dijk_2017, Gieldon_2018, van der Ven_2021). These data indicate that the variant is likely to be associated with disease. To our knowledge, no experimental evidence demonstrating an impact on protein function has been reported. The following publications have been ascertained in the context of this evaluation (PMID: 30091983, 27683254, 34490615). ClinVar contains an entry for this variant (Variation ID: 488585). Based on the evidence outlined above, the variant was classified as likely pathogenic.

Natera, Inc.
Classification: Likely pathogenic for Pontocerebellar hypoplasia, type 6. Last evaluated: 2025-03-31. Review status: criteria provided, single submitter. Criteria: Natera Variant Classification Schema (03/2026). Collection method: clinical testing. Allele origin: germline.
Comment: The c.1544A>G variant in RARS2 is a missense variant predicted to cause substitution of aspartic acid to glycine at amino acid 515. This variant is rare in the general population with a frequency below the threshold expected for the associated phenotype(s). This variant has been observed in one or more individuals affected with the associated recessive disease, as either homozygous or compound heterozygous with a second variant (PMID: 27683254, 30091983, 34490615). This variant has been identified in one or more affected individuals with a phenotype highly consistent with the associated gene (PMID: 34490615). Computational prediction algorithms indicate this variant is likely to affect gene or protein function. Given the available evidence, this variant is classified as Likely Pathogenic.

PreventionGenetics, part of Exact Sciences
Classification: Pathogenic for RARS2-related condition. Last evaluated: 2025-01-04. Review status: criteria provided, single submitter. Criteria: ACMG Guidelines, 2015. Collection method: clinical testing. Allele origin: germline.
Comment: The RARS2 c.1544A>G variant is predicted to result in the amino acid substitution p.Asp515Gly. This variant has been reported in the compound heterozygous state with another pathogenic variant in two unrelated individuals with pontocerebellar hypoplasia (van Dijk et al. 2017. PubMed ID: 27683254). This variant has also been reported in the compound heterozygous state with a variant of uncertain significance in an individual with global developmental delays and seizures (MITO_HH001 in Table S3, van der Ven et al. 2021. PubMed ID: 34490615). This variant is reported in 0.0062% of alleles in individuals of European (Non-Finnish) descent in gnomAD. This variant is interpreted as pathogenic.

Fulgent Genetics
Classification: Likely pathogenic for Pontocerebellar hypoplasia type 6. Last evaluated: 2024-04-30. Review status: criteria provided, single submitter. Criteria: ACMG Guidelines, 2015. Collection method: clinical testing. Allele origin: germline.

Baylor Genetics
Classification: Pathogenic for Pontocerebellar hypoplasia type 6. Last evaluated: 2024-03-12. Review status: criteria provided, single submitter. Criteria: ACMG Guidelines, 2015. Collection method: clinical testing. Allele origin: unknown.

CeGaT Center for Human Genetics Tuebingen
Classification: Likely pathogenic. Last evaluated: 2024-02-01. Review status: criteria provided, single submitter. Criteria: CeGaT Center For Human Genetics Tuebingen Variant Classification Criteria Version 2. Collection method: clinical testing. Allele origin: germline. Affected: yes. Observed: 3 variant alleles.
Comment: RARS2: PM3:Strong, PM2

Revvity Omics, Revvity
Classification: Likely pathogenic for Pontocerebellar hypoplasia type 6. Last evaluated: 2022-05-09. Review status: criteria provided, single submitter. Criteria: ACMG Guidelines, 2015. Collection method: clinical testing. Allele origin: germline.

Institute of Human Genetics Munich, TUM University Hospital
Classification: Likely pathogenic for Pontocerebellar hypoplasia type 6. Last evaluated: 2017-12-07. Review status: criteria provided, single submitter. Criteria: Classification criteria August 2017. Collection method: clinical testing. Allele origin: paternal, maternal. Inheritance: Autosomal recessive inheritance. Affected: yes. Observed: 2 compound heterozygotes.

Literature cited by the submitters: PubMed 27683254 (cited by 3 submitters); PubMed 34490615 (cited by 3 submitters); PubMed 30091983 (cited by Women's Health and Genetics/Laboratory Corporation of America, LabCorp and Natera, Inc.).